The following is an entry in ClinVar:

ClinVar aggregate classification (germline): Uncertain significance. Review status: criteria provided, multiple submitters, no conflicts (2 of 4 stars). 2 submissions from 2 submitters: Uncertain significance (2). Last evaluated 2025-08-21.

Conditions:
Familial thoracic aortic aneurysm and aortic dissection (TAAD). Also called: Thoracic aortic aneurysms and dissections. Identifiers: Orphanet 91387, MedGen C4707243, MONDO:0019625.
Aortic aneurysm, familial thoracic 7 (AAT7). Also called: AORTIC DISSECTION, FAMILIAL, WITH OR WITHOUT AORTIC ANEURYSM. Identifiers: MedGen C3151077, MONDO:0013418, OMIM 613780.

gnomAD v4.1: 1 of 1,614,086 alleles (0.000062%); highest among the groups gnomAD compares: Non-Finnish European, 0.000085%; no homozygotes.

Submissions (2):

Ambry Genetics
Classification: Uncertain significance for Familial thoracic aortic aneurysm and aortic dissection. Last evaluated: 2025-08-21. Review status: criteria provided, single submitter. Criteria: Ambry Variant Classification Scheme 2023. Collection method: clinical testing. Allele origin: germline.

Labcorp Genetics (formerly Invitae), Labcorp
Classification: Uncertain significance for Aortic aneurysm, familial thoracic 7. Last evaluated: 2023-07-07. Review status: criteria provided, single submitter. Criteria: Invitae Variant Classification Sherloc (09022015). Collection method: clinical testing. Allele origin: germline.
Comment: In summary, the available evidence is currently insufficient to determine the role of this variant in disease. Therefore, it has been classified as a Variant of Uncertain Significance. Advanced modeling of protein sequence and biophysical properties (such as structural, functional, and spatial information, amino acid conservation, physicochemical variation, residue mobility, and thermodynamic stability) has been performed at Invitae for this missense variant, however the output from this modeling did not meet the statistical confidence thresholds required to predict the impact of this variant on MYLK protein function. This variant has not been reported in the literature in individuals affected with MYLK-related conditions. This variant is not present in population databases (gnomAD no frequency). This sequence change replaces arginine, which is basic and polar, with glycine, which is neutral and non-polar, at codon 926 of the MYLK protein (p.Arg926Gly).

NM_053025.4(MYLK):c.2776C>G (p.Arg926Gly)

Gene: MYLK (myosin light chain kinase; minus strand). Cytogenetic location: 3q21.1.
Variant type: single nucleotide variant.
Coding change: c.2776C>G on transcript NM_053025.4 (MANE Select); coding-DNA position 2776, C replaced by G.
Protein change: p.Arg926Gly; replaces arginine 926 with glycine.
Molecular consequence: missense variant.
Genome position (GRCh38, 1-based): chr3:123,700,692, G>C on the plus strand (C>G on the coding strand, the complement: MYLK is on the minus strand). VCF-style: chr3-123700692-G-C. GRCh37 (hg19) VCF-style: chr3-123419539-G-C.
Other names: c.2776C>G (NM_053025.3); c.2248C>G, p.Arg750Gly (NM_001321309.2); c.2569C>G, p.Arg857Gly (NM_053026.4, NM_053028.4); c.2776C>G, p.Arg926Gly (NM_053027.4); short protein forms R926G, R750G, R857G.
Identifiers: ClinVar variation 2740249 (VCV002740249.4), dbSNP rs766824318, ClinGen allele CA354231399.